The following is an entry in ClinVar:

NM_001353345.2(SETD1B):c.5026G>A (p.Glu1676Lys)

Gene: SETD1B (SET domain containing 1B, histone lysine methyltransferase; plus strand). Cytogenetic location: 12q24.31.
Variant type: single nucleotide variant.
Coding change: c.5026G>A on transcript NM_001353345.2 (MANE Select); coding-DNA position 5026, G replaced by A.
Protein change: p.Glu1676Lys; replaces glutamic acid 1676 with lysine.
Molecular consequence: missense variant.
Genome position (GRCh38, 1-based): chr12:121,823,605, G>A. VCF-style: chr12-121823605-G-A. GRCh37 (hg19) VCF-style: chr12-122261511-G-A.
Other names: short protein forms E1676K.
Identifiers: ClinVar variation 2570852 (VCV002570852.27), dbSNP rs2500238290, ClinGen allele CA387000412.

ClinVar aggregate classification (germline): Uncertain significance (1 of 4 stars; one submission).

Submission:

CeGaT Center for Human Genetics Tuebingen
Classification: Uncertain significance. Last evaluated: 2023-05-01. Review status: criteria provided, single submitter. Criteria: CeGaT Center For Human Genetics Tuebingen Variant Classification Criteria Version 2. Collection method: clinical testing. Allele origin: germline. Affected: yes. Observed: 1 variant allele.
Comment: SETD1B: PM2, PP2, PP3, BS2